The following is an entry in ClinVar:

ClinVar aggregate classification (germline): Uncertain significance (1 of 4 stars; one submission).

Conditions:
Joubert syndrome. Also called: JOUBERT-BOLTSHAUSER SYNDROME; Familial aplasia of the vermis. Identifiers: Orphanet 475, MedGen C5979921, MONDO:0018772.
Meckel-Gruber syndrome. Also called: DYSENCEPHALIA SPLANCHNOCYSTICA; GRUBER SYNDROME; Dysencephalia splachnocystica. Identifiers: Orphanet 564, MedGen C0265215, MONDO:0018921.

Submission:

Labcorp Genetics (formerly Invitae), Labcorp
Classification: Uncertain significance for Joubert syndrome; Meckel-Gruber syndrome. Last evaluated: 2021-06-04. Review status: criteria provided, single submitter. Criteria: Invitae Variant Classification Sherloc (09022015). Collection method: clinical testing. Allele origin: germline.
Comment: This sequence change replaces leucine with proline at codon 1377 of the CC2D2A protein (p.Leu1377Pro). The leucine residue is highly conserved and there is a moderate physicochemical difference between leucine and proline. This variant is not present in population databases (ExAC no frequency). This variant has not been reported in the literature in individuals with CC2D2A-related conditions. Advanced modeling of protein sequence and biophysical properties (such as structural, functional, and spatial information, amino acid conservation, physicochemical variation, residue mobility, and thermodynamic stability) performed at Invitae indicates that this missense variant is expected to disrupt CC2D2A protein function. In summary, the available evidence is currently insufficient to determine the role of this variant in disease. Therefore, it has been classified as a Variant of Uncertain Significance.

NM_001378615.1(CC2D2A):c.4130T>C (p.Leu1377Pro)

Genes: CC2D2A (coiled-coil and C2 domain containing 2A; plus strand), FBXL5 (F-box and leucine rich repeat protein 5; minus strand). Cytogenetic location: 4p15.32.
Variant type: single nucleotide variant.
Coding change: c.4130T>C on transcript NM_001378615.1 (MANE Select); coding-DNA position 4130, T replaced by C.
Protein change: p.Leu1377Pro; replaces leucine 1377 with proline.
Molecular consequence: missense variant.
Genome position (GRCh38, 1-based): chr4:15,587,880, T>C. VCF-style: chr4-15587880-T-C. GRCh37 (hg19) VCF-style: chr4-15589503-T-C.
Other names: c.4130T>C, p.Leu1377Pro (NM_001080522.2); c.3983T>C, p.Leu1328Pro (NM_001378617.1); short protein forms L1377P, L1328P.
Identifiers: ClinVar variation 1496266 (VCV001496266.8), dbSNP rs2109090351, ClinGen allele CA356429032.